The following is an entry in ClinVar:

NM_025243.4(SLC19A3):c.513C>A (p.Tyr171Ter)

Gene: SLC19A3 (solute carrier family 19 member 3; minus strand). Cytogenetic location: 2q36.3.
Variant type: single nucleotide variant.
Coding change: c.513C>A on transcript NM_025243.4 (MANE Select); coding-DNA position 513, C replaced by A.
Protein change: p.Tyr171Ter; replaces tyrosine 171 with a stop codon.
Molecular consequence: nonsense.
Genome position (GRCh38, 1-based): chr2:227,699,202, G>T on the plus strand (C>A on the coding strand, the complement: SLC19A3 is on the minus strand). VCF-style: chr2-227699202-G-T. GRCh37 (hg19) VCF-style: chr2-228563918-G-T.
Other names: c.513C>A (NM_025243.3); c.513C>A, p.Tyr171Ter (NM_001371411.1, NM_001371412.1); c.501C>A, p.Tyr167Ter (NM_001371413.1, NM_001371414.1); short protein forms Y167*, Y171*.
Identifiers: ClinVar variation 2768019 (VCV002768019.4), dbSNP rs1353757275, ClinGen allele CA350877064.
Genomic context (GRCh38, chr2:227,699,202, plus strand): 5'-TGGTAGGAAAAGTGAGAAAAGGAAAGCCACGGAGACAGAGGCCAAGGATATGACGTTGAG[G>T]TAAAAGTACGACATGTTCGCCAGGGATACCAAGAGTTGAGCCAGCACCGACCCTGCTGTG-3'

ClinVar aggregate classification (germline): Pathogenic/Likely pathogenic. Review status: criteria provided, multiple submitters, no conflicts (2 of 4 stars). 2 submissions from 2 submitters: Pathogenic (1); Likely pathogenic (1). Last evaluated 2025-04-04.

Conditions:
Biotin-responsive basal ganglia disease (BTBGD). Also called: Thiamine metabolism dysfunction syndrome type 2; THIAMINE METABOLISM DYSFUNCTION SYNDROME 2 (BIOTIN- AND THIAMINE-RESPONSIVE TYPE); Thiamine metabolism dysfunction syndrome 2 (biotin- or thiamine-responsive encephalopathy type 2); thiamine-responsive encephalopathy; Thiamine Transporter-2 Deficiency. Identifiers: Orphanet 199348, Orphanet 65284, MedGen C1843807, MONDO:0011841, OMIM 607483.

gnomAD v4.1: 1 of 1,614,128 alleles (0.000062%); highest among the groups gnomAD compares: Non-Finnish European, 0.000085%; no homozygotes.

Submissions (2):

GeneDx
Classification: Likely pathogenic. Last evaluated: 2025-04-04. Review status: criteria provided, single submitter. Criteria: GeneDx Variant Classification Process June 2021. Collection method: clinical testing. Allele origin: germline. Affected: yes.
Comment: Nonsense variant predicted to result in protein truncation or nonsense mediated decay in a gene for which loss of function is a known mechanism of disease; Not observed at significant frequency in large population cohorts (gnomAD); Has not been previously published as pathogenic or benign to our knowledge

Labcorp Genetics (formerly Invitae), Labcorp
Classification: Pathogenic for Biotin-responsive basal ganglia disease. Last evaluated: 2023-11-06. Review status: criteria provided, single submitter. Criteria: Invitae Variant Classification Sherloc (09022015). Collection method: clinical testing. Allele origin: germline.
Comment: This sequence change creates a premature translational stop signal (p.Tyr171*) in the SLC19A3 gene. It is expected to result in an absent or disrupted protein product. Loss-of-function variants in SLC19A3 are known to be pathogenic (PMID: 23423671, 23482991). This variant is not present in population databases (gnomAD no frequency). This variant has not been reported in the literature in individuals affected with SLC19A3-related conditions. For these reasons, this variant has been classified as Pathogenic.

Literature cited by the submitters: PubMed 23423671 (cited by Labcorp Genetics (formerly Invitae), Labcorp); PubMed 23482991 (cited by Labcorp Genetics (formerly Invitae), Labcorp).